The following is an entry in ClinVar:

ClinVar aggregate classification (germline): Likely benign. Review status: criteria provided, multiple submitters, no conflicts (2 of 4 stars). 2 submissions from 2 submitters: Likely benign (2). Last evaluated 2024-11-01.

Allele frequency attached by ClinVar (database versions not stated): ESP Exome Variant Server 0.00008; ExAC 0.00009; gnomAD 0.00010; TOPMed 0.00018; gnomAD exomes 0.00021.
gnomAD v4.1: 315 of 1,612,250 alleles (0.02%); highest among the groups gnomAD compares: Non-Finnish European, 0.025%; no homozygotes.

Submissions (2):

CeGaT Center for Human Genetics Tuebingen
Classification: Likely benign. Last evaluated: 2024-11-01. Review status: criteria provided, single submitter. Criteria: CeGaT Center For Human Genetics Tuebingen Variant Classification Criteria Version 2. Collection method: clinical testing. Allele origin: germline. Affected: yes. Observed: 3 variant alleles.
Comment: SPTBN1: BP4, BP7

Blueprint Genetics
Classification: Likely benign. Last evaluated: 2024-03-05. Review status: criteria provided, single submitter. Criteria: ACMG Guidelines, 2015. Collection method: clinical testing. Allele origin: germline.

NM_003128.3(SPTBN1):c.2601G>A (p.Glu867=)

Gene: SPTBN1 (spectrin beta, non-erythrocytic 1; plus strand). Cytogenetic location: 2p16.2.
Variant type: single nucleotide variant.
Coding change: c.2601G>A on transcript NM_003128.3 (MANE Select); coding-DNA position 2601, G replaced by A.
Protein change: p.Glu867=; no amino-acid change (glutamic acid 867 retained).
Molecular consequence: synonymous variant.
Genome position (GRCh38, 1-based): chr2:54,629,735, G>A. VCF-style: chr2-54629735-G-A. GRCh37 (hg19) VCF-style: chr2-54856872-G-A.
Other names: c.2562G>A, p.Glu854= (NM_178313.3).
Identifiers: ClinVar variation 2650923 (VCV002650923.25), dbSNP rs376697382, ClinGen allele CA1660657.